The following is an entry in ClinVar:

ClinVar aggregate classification (germline): Uncertain significance (1 of 4 stars; one submission).

Conditions:
Autosomal recessive ataxia, Beauce type. Also called: SYNE1-Related Autosomal Recessive Cerebellar Ataxia; Spinocerebellar ataxia, autosomal recessive 8; ATAXIA, RECESSIVE, OF BEAUCE; SYNE1 Deficiency. Identifiers: Orphanet 88644, MedGen C1853116, MONDO:0012549, OMIM 610743.
Emery-Dreifuss muscular dystrophy 4, autosomal dominant (EDMD4). Also called: EMERY-DREIFUSS MUSCULAR DYSTROPHY 4 WITH VARIABLE FEATURES. Identifiers: Orphanet 261, MedGen C2751807, MONDO:0013071, OMIM 612998.

Allele frequency attached by ClinVar (database versions not stated): TOPMed below 0.00001; gnomAD 0.00001.
gnomAD v4.1: 14 of 1,613,820 alleles (0.00087%); highest among the groups gnomAD compares: South Asian, 0.0055%; no homozygotes.

Submission:

Labcorp Genetics (formerly Invitae), Labcorp
Classification: Uncertain significance for Emery-Dreifuss muscular dystrophy 4, autosomal dominant; Autosomal recessive ataxia, Beauce type. Last evaluated: 2024-01-15. Review status: criteria provided, single submitter. Criteria: Invitae Variant Classification Sherloc (09022015). Collection method: clinical testing. Allele origin: germline.
Comment: This sequence change replaces proline, which is neutral and non-polar, with leucine, which is neutral and non-polar, at codon 229 of the SYNE1 protein (p.Pro229Leu). This variant is present in population databases (no rsID available, gnomAD 0.006%). This variant has not been reported in the literature in individuals affected with SYNE1-related conditions. ClinVar contains an entry for this variant (Variation ID: 2148668). An algorithm developed to predict the effect of missense changes on protein structure and function (PolyPhen-2) suggests that this variant is likely to be disruptive. In summary, the available evidence is currently insufficient to determine the role of this variant in disease. Therefore, it has been classified as a Variant of Uncertain Significance.

NM_182961.4(SYNE1):c.665C>T (p.Pro222Leu)

Gene: SYNE1 (spectrin repeat containing nuclear envelope protein 1; minus strand). Cytogenetic location: 6q25.2.
Variant type: single nucleotide variant.
Coding change: c.665C>T on transcript NM_182961.4 (MANE Select); coding-DNA position 665, C replaced by T.
Protein change: p.Pro222Leu; replaces proline 222 with leucine.
Molecular consequence: missense variant.
Genome position (GRCh38, 1-based): chr6:152,505,314, G>A on the plus strand (C>T on the coding strand, the complement: SYNE1 is on the minus strand). VCF-style: chr6-152505314-G-A. GRCh37 (hg19) VCF-style: chr6-152826449-G-A.
Other names: c.686C>T, p.Pro229Leu (NM_033071.5); short protein forms P229L, P222L.
Identifiers: ClinVar variation 2148668 (VCV002148668.4), dbSNP rs996515126, ClinGen allele CA150238613.